The following is an entry in ClinVar:

NM_006912.6(RIT1):c.309G>A (p.Thr103=)

Gene: RIT1 (Ras like without CAAX 1; minus strand). Cytogenetic location: 1q22.
Variant type: single nucleotide variant.
Coding change: c.309G>A on transcript NM_006912.6 (MANE Select); coding-DNA position 309, G replaced by A.
Protein change: p.Thr103=; no amino-acid change (threonine 103 retained).
Molecular consequence: synonymous variant.
Genome position (GRCh38, 1-based): chr1:155,904,431, C>T on the plus strand (G>A on the coding strand, the complement: RIT1 is on the minus strand). VCF-style: chr1-155904431-C-T. GRCh37 (hg19) VCF-style: chr1-155874222-C-T.
Other names: c.201G>A, p.Thr67= (NM_001256820.2); c.360G>A, p.Thr120= (NM_001256821.2).
Identifiers: ClinVar variation 1203102 (VCV001203102.8), dbSNP rs370396152, ClinGen allele CA1151811.

ClinVar aggregate classification (germline): Conflicting classifications of pathogenicity. Review status: criteria provided, conflicting classifications (1 of 4 stars). 2 submissions from 2 submitters: Uncertain significance (1); Likely benign (1). Last evaluated 2025-10-12.

Conditions:
Noonan syndrome 8 (NS8). Identifiers: Orphanet 648, MedGen C3809233, MONDO:0014143, OMIM 615355.

Allele frequency attached by ClinVar (database versions not stated): ExAC 0.00002; 1000 Genomes Project 30x 0.00016; 1000 Genomes Project 0.00020.
gnomAD v4.1: 38 of 1,614,040 alleles (0.0024%); highest among the groups gnomAD compares: African/African-American, 0.004%; no homozygotes.

Submissions (2):

Labcorp Genetics (formerly Invitae), Labcorp
Classification: Uncertain significance for Noonan syndrome 8. Last evaluated: 2025-10-12. Review status: criteria provided, single submitter. Criteria: Invitae Variant Classification Sherloc (09022015). Collection method: clinical testing. Allele origin: germline.
Comment: This sequence change affects codon 103 of the RIT1 mRNA. It is a 'silent' change, meaning that it does not change the encoded amino acid sequence of the RIT1 protein. This variant is present in population databases (rs370396152, gnomAD 0.007%). This variant has not been reported in the literature in individuals affected with RIT1-related conditions. ClinVar contains an entry for this variant (Variation ID: 1203102). Algorithms developed to predict the effect of sequence changes on RNA splicing suggest that this variant may create or strengthen a splice site. In summary, the available evidence is currently insufficient to determine the role of this variant in disease. Therefore, it has been classified as a Variant of Uncertain Significance.

GeneDx
Classification: Likely benign. Last evaluated: 2018-12-05. Review status: criteria provided, single submitter. Criteria: GeneDx Variant Classification Process June 2021. Collection method: clinical testing. Allele origin: germline. Affected: yes.